The following is an entry in ClinVar:

NM_016284.5(CNOT1):c.5368A>G (p.Thr1790Ala)

Gene: CNOT1 (CCR4-NOT transcription complex subunit 1; minus strand). Cytogenetic location: 16q21.
Variant type: single nucleotide variant.
Coding change: c.5368A>G on transcript NM_016284.5 (MANE Select); coding-DNA position 5368, A replaced by G.
Protein change: p.Thr1790Ala; replaces threonine 1790 with alanine.
Molecular consequence: missense variant. On other transcripts: non-coding transcript variant (1).
Genome position (GRCh38, 1-based): chr16:58,537,937, T>C on the plus strand (A>G on the coding strand, the complement: CNOT1 is on the minus strand). VCF-style: chr16-58537937-T-C. GRCh37 (hg19) VCF-style: chr16-58571841-T-C.
Other names: c.5353A>G, p.Thr1785Ala (NM_001265612.2); short protein forms T1785A, T1790A.
Identifiers: ClinVar variation 1999062 (VCV001999062.4), dbSNP rs2543870963, ClinGen allele CA396165109.

ClinVar aggregate classification (germline): Uncertain significance (1 of 4 stars; one submission).

Submission:

Labcorp Genetics (formerly Invitae), Labcorp
Classification: Uncertain significance. Last evaluated: 2022-05-25. Review status: criteria provided, single submitter. Criteria: Invitae Variant Classification Sherloc (09022015). Collection method: clinical testing. Allele origin: germline.
Comment: This variant has not been reported in the literature in individuals affected with CNOT1-related conditions. This variant is not present in population databases (gnomAD no frequency). This sequence change replaces threonine, which is neutral and polar, with alanine, which is neutral and non-polar, at codon 1785 of the CNOT1 protein (p.Thr1785Ala). Algorithms developed to predict the effect of missense changes on protein structure and function (SIFT, PolyPhen-2, Align-GVGD) all suggest that this variant is likely to be tolerated. In summary, the available evidence is currently insufficient to determine the role of this variant in disease. Therefore, it has been classified as a Variant of Uncertain Significance.